The following is an entry in ClinVar:

ClinVar aggregate classification (germline): Benign/Likely benign. Review status: criteria provided, multiple submitters, no conflicts (2 of 4 stars). 6 submissions from 6 submitters: Benign (1); Likely benign (4). 1 of the submissions does not count toward it. Last evaluated 2026-01-25.

Conditions:
Dyskeratosis congenita, autosomal recessive 5 (DKCB5). Identifiers: MedGen C3554656, MONDO:0014076, OMIM 615190.
Pulmonary fibrosis and/or bone marrow failure, Telomere-related, 3. Also called: PULMONARY FIBROSIS AND/OR BONE MARROW FAILURE SYNDROME, TELOMERE-RELATED, 3. Identifiers: Orphanet 2032, MedGen C4225346, MONDO:0014613, OMIM 616373.
Inborn genetic diseases. Identifiers: MedGen C0950123, MeSH D030342.
Dyskeratosis congenita. Identifiers: Orphanet 1775, MedGen C0265965, MONDO:0015780.

Allele frequency attached by ClinVar (database versions not stated): gnomAD 0.00001 and 0.00005; TOPMed 0.00002; gnomAD exomes 0.00012 and 0.00028; 1000 Genomes Project 30x 0.00016; 1000 Genomes Project 0.00020; ExAC 0.00024.
gnomAD v4.1: 189 of 1,612,416 alleles (0.012%); highest among the groups gnomAD compares: South Asian, 0.2%; 4 homozygotes.

Submissions (6):

Labcorp Genetics (formerly Invitae), Labcorp
Classification: Benign for Dyskeratosis congenita, autosomal recessive 5; Pulmonary fibrosis and/or bone marrow failure, Telomere-related, 3. Last evaluated: 2026-01-25. Review status: criteria provided, single submitter. Criteria: Invitae Variant Classification Sherloc (09022015). Collection method: clinical testing. Allele origin: germline.

Ambry Genetics
Classification: Likely benign for Inborn genetic diseases. Last evaluated: 2024-11-30. Review status: criteria provided, single submitter. Criteria: Ambry Variant Classification Scheme 2023. Collection method: clinical testing. Allele origin: germline.

CeGaT Center for Human Genetics Tuebingen
Classification: Likely benign. Last evaluated: 2024-01-01. Review status: criteria provided, single submitter. Criteria: CeGaT Center For Human Genetics Tuebingen Variant Classification Criteria Version 2. Collection method: clinical testing. Allele origin: germline. Affected: yes. Observed: 1 variant allele.
Comment: RTEL1: BP4, BS1

Blueprint Genetics
Classification: Likely benign. Last evaluated: 2023-10-17. Review status: criteria provided, single submitter. Criteria: ACMG Guidelines, 2015. Collection method: clinical testing. Allele origin: germline.

Victorian Clinical Genetics Services, Murdoch Childrens Research Institute
Classification: Likely benign for Dyskeratosis congenita, autosomal recessive 5. Last evaluated: 2020-05-21. Review status: criteria provided, single submitter. Criteria: ACMG Guidelines, 2015. Collection method: clinical testing. Allele origin: germline.
Comment: Based on the classification scheme VCGS_Germline_v1.1.1, this variant is classified as Likely benign. Following criteria are met: 0108 - This gene is known to be associated with both recessive and dominant disease (OMIM). (N) 0200 - Variant is predicted to result in a missense amino acid change from an alanine to a valine. (N) 0251 - Variant is heterozygous. (N) 0302 - Variant is present in gnomAD <0.001 for a dominant condition (68 heterozygotes, 1 homozygote). (P) 0309 - An alternative amino acid change at the same position has been observed in gnomAD (9 heterozygotes, 0 homozygotes). (N) 0503 - Missense variant consistently predicted to be tolerated and not conserved in mammals with a minor amino acid change. (B) 0504 - Same amino acid change has been observed in mammals. (B) 0806 - Moderate previous evidence of neutrality in unrelated individuals. This variant was previously reported as benign (ClinVar). (B) Legend: (P) - Pathogenic, (N) - Neutral, (B) - Benign

Natera, Inc.
Classification: Likely benign for Dyskeratosis congenita. Last evaluated: 2020-03-10. Review status: no assertion criteria provided. Collection method: clinical testing. Allele origin: germline. Not counted in ClinVar's aggregate classification.

NM_001283009.2(RTEL1):c.3038C>T (p.Ala1013Val)

Genes: RTEL1 (regulator of telomere elongation helicase 1; plus strand), RTEL1-TNFRSF6B (RTEL1-TNFRSF6B readthrough (NMD candidate); plus strand). Cytogenetic location: 20q13.33.
Variant type: single nucleotide variant.
Coding change: c.3038C>T on transcript NM_001283009.2 (MANE Select); coding-DNA position 3038, C replaced by T.
Protein change: p.Ala1013Val; replaces alanine 1013 with valine.
Molecular consequence: missense variant. On other transcripts: non-coding transcript variant (1).
Genome position (GRCh38, 1-based): chr20:63,694,417, C>T. VCF-style: chr20-63694417-C-T. GRCh37 (hg19) VCF-style: chr20-62325770-C-T.
Other names: c.2369C>T, p.Ala790Val (NM_001283010.1); c.3038C>T, p.Ala1013Val (NM_016434.4); c.3110C>T, p.Ala1037Val (NM_032957.5); c.3110C>T (NM_032957.4); short protein forms A1037V, A1013V, A790V.
Identifiers: ClinVar variation 756319 (VCV000756319.37), dbSNP rs569586118, ClinGen allele CA9965808.